The following is an entry in ClinVar:

ClinVar aggregate classification (germline): Uncertain significance (1 of 4 stars; one submission).

Submission:

Ambry Genetics
Classification: Uncertain significance. Last evaluated: 2023-01-16. Review status: criteria provided, single submitter. Criteria: Ambry Variant Classification Scheme 2023. Collection method: clinical testing. Allele origin: germline.
Comment: The p.S728P variant (also known as c.2182T>C), located in coding exon 18 of the RAD54L gene, results from a T to C substitution at nucleotide position 2182. The serine at codon 728 is replaced by proline, an amino acid with similar properties. This amino acid position is conserved. In addition, this alteration is predicted to be tolerated by in silico analysis. Since supporting evidence is limited at this time, the clinical significance of this alteration remains unclear.

NM_003579.4(RAD54L):c.2182T>C (p.Ser728Pro)

Genes: LRRC41 (leucine rich repeat containing 41; minus strand), RAD54L (RAD54 like; plus strand). Cytogenetic location: 1p34.1.
Variant type: single nucleotide variant.
Coding change: c.2182T>C on transcript NM_003579.4 (MANE Select); coding-DNA position 2182, T replaced by C.
Protein change: p.Ser728Pro; replaces serine 728 with proline.
Molecular consequence: missense variant. On other transcripts: 3 prime UTR variant (1).
Genome position (GRCh38, 1-based): chr1:46,278,220, T>C. VCF-style: chr1-46278220-T-C. GRCh37 (hg19) VCF-style: chr1-46743892-T-C.
Other names: c.*645A>G (NM_006369.5); c.2182T>C, p.Ser728Pro (NM_001142548.2); c.1642T>C, p.Ser548Pro (NM_001370766.1); short protein forms S548P, S728P.
Identifiers: ClinVar variation 2496809 (VCV002496809.2), dbSNP rs2148309183, ClinGen allele CA340191409.